The following is an entry in ClinVar:

ClinVar aggregate classification (germline): Uncertain significance. Review status: criteria provided, multiple submitters, no conflicts (2 of 4 stars). 2 submissions from 2 submitters: Uncertain significance (2). Last evaluated 2025-08-08.

Conditions:
Inborn genetic diseases. Identifiers: MedGen C0950123, MeSH D030342.

Allele frequency attached by ClinVar (database versions not stated): gnomAD exomes below 0.00001.
gnomAD v4.1: 2 of 1,085,348 alleles (0.00018%); highest among the groups gnomAD compares: Non-Finnish European, 0.00011%; no homozygotes.

Submissions (2):

Ambry Genetics
Classification: Uncertain significance for Inborn genetic diseases. Last evaluated: 2025-08-08. Review status: criteria provided, single submitter. Criteria: Ambry Variant Classification Scheme 2023. Collection method: clinical testing. Allele origin: germline.

Labcorp Genetics (formerly Invitae), Labcorp
Classification: Uncertain significance. Last evaluated: 2022-06-28. Review status: criteria provided, single submitter. Criteria: Invitae Variant Classification Sherloc (09022015). Collection method: clinical testing. Allele origin: germline.
Comment: In summary, the available evidence is currently insufficient to determine the role of this variant in disease. Therefore, it has been classified as a Variant of Uncertain Significance. Algorithms developed to predict the effect of missense changes on protein structure and function output the following: SIFT: "Tolerated"; PolyPhen-2: "Benign"; Align-GVGD: "Class C0". The glutamic acid amino acid residue is found in multiple mammalian species, which suggests that this missense change does not adversely affect protein function. This variant has not been reported in the literature in individuals affected with KIAA1549-related conditions. The frequency data for this variant in the population databases is considered unreliable, as metrics indicate insufficient coverage at this position in the gnomAD database. This sequence change replaces glycine, which is neutral and non-polar, with glutamic acid, which is acidic and polar, at codon 26 of the KIAA1549 protein (p.Gly26Glu).

NM_001164665.2(KIAA1549):c.77G>A (p.Gly26Glu)

Gene: KIAA1549 (KIAA1549; minus strand). Cytogenetic location: 7q34.
Variant type: single nucleotide variant.
Coding change: c.77G>A on transcript NM_001164665.2 (MANE Select); coding-DNA position 77, G replaced by A.
Protein change: p.Gly26Glu; replaces glycine 26 with glutamic acid.
Molecular consequence: missense variant.
Genome position (GRCh38, 1-based): chr7:138,981,193, C>T on the plus strand (G>A on the coding strand, the complement: KIAA1549 is on the minus strand). VCF-style: chr7-138981193-C-T. GRCh37 (hg19) VCF-style: chr7-138665939-C-T.
Other names: c.77G>A (NM_001164665.1); c.77G>A, p.Gly26Glu (NM_020910.3); short protein forms G26E.
Identifiers: ClinVar variation 1923335 (VCV001923335.4), dbSNP rs1410226945, ClinGen allele CA369382512.